The following is an entry in ClinVar:

ClinVar aggregate classification (germline): Pathogenic. Review status: criteria provided, single submitter (1 of 4 stars). 2 submissions from 1 submitter: Pathogenic (1). 1 of the submissions does not count toward it. Last evaluated 2023-05-23.

Conditions:
Familial adenomatous polyposis 1 (FAP1). Also called: POLYPOSIS, ADENOMATOUS INTESTINAL; FAMILIAL ADENOMATOUS POLYPOSIS 1, ATTENUATED. Identifiers: MedGen C2713442, MONDO:0021056, OMIM 175100. Disease mechanism: loss of function.

Submissions (2):

Labcorp Genetics (formerly Invitae), Labcorp
Classification: Pathogenic for Familial adenomatous polyposis 1. Last evaluated: 2023-05-23. Review status: criteria provided, single submitter. Criteria: Invitae Variant Classification Sherloc (09022015). Collection method: clinical testing. Allele origin: germline.
Comment: This variant is a gross deletion of the genomic region encompassing exon(s) 15 of the APC gene. While this deletion is not anticipated to lead to nonsense mediated decay, it is expected to disrupt the C-terminus of the protein. For these reasons, this variant has been classified as Pathogenic. This variant disrupts a region of the APC protein in which other variant(s) (p.Arg653Lys) have been determined to be pathogenic (PMID: 24599579, 25590978; Invitae). This suggests that this is a clinically significant region of the protein, and that variants that disrupt it are likely to be disease-causing. This variant is also known as Exon 14 deletion. This variant has not been reported in the literature in individuals affected with APC-related conditions.

Labcorp Genetics (formerly Invitae), Labcorp
Classification: Pathogenic for Familial adenomatous polyposis 1. Last evaluated: 2019-07-20. Review status: flagged submission. Criteria: Invitae Variant Classification Sherloc (09022015). Collection method: clinical testing. Allele origin: germline. Not counted in ClinVar's aggregate classification.
Comment: This variant is a sub-genic deletion of the genomic region encompassing exon 15 of the APC gene. While this deletion is not anticipated to result in nonsense mediated decay, it is expected to create a truncated protein product. This variant (also known as Exon 14 deletion) has not been reported in the literature in individuals with APC-related disease. Several truncating variants downstream of this variant have been determined to be pathogenic (PMID: 20223039, 11247896, 1316610). This suggests that deletion of this region of the APC protein is causative of disease. Loss-of-function variants in APC are known to be pathogenic (PMID: 17963004, 20685668). For these reasons, this variant has been classified as Pathogenic.
ClinVar note: Reason: This record appears to be redundant with a more recent record from the same submitter.
ClinVar note: Notes: SCV001194976 appears to be redundant with SCV002243623.

Literature cited by the submitters: PubMed 24599579; PubMed 25590978; PubMed 11247896; PubMed 20223039; PubMed 1316610.

NC_000005.10:g.(?_112834941)_(112835175_?)del

Gene: APC (APC regulator of Wnt signaling pathway; plus strand). Cytogenetic location: 5q22.2.
Variant type: Deletion.
Identifiers: ClinVar variation 831082 (VCV000831082.5).